The following is an entry in ClinVar:

ClinVar aggregate classification (germline): Uncertain significance (1 of 4 stars; one submission).

Submission:

Labcorp Genetics (formerly Invitae), Labcorp
Classification: Uncertain significance. Last evaluated: 2022-05-30. Review status: criteria provided, single submitter. Criteria: Invitae Variant Classification Sherloc (09022015). Collection method: clinical testing. Allele origin: germline.
Comment: This sequence change replaces proline, which is neutral and non-polar, with histidine, which is basic and polar, at codon 783 of the TBCK protein (p.Pro783His). This variant is not present in population databases (gnomAD no frequency). This variant has not been reported in the literature in individuals affected with TBCK-related conditions. Algorithms developed to predict the effect of missense changes on protein structure and function are either unavailable or do not agree on the potential impact of this missense change (SIFT: "Deleterious"; PolyPhen-2: "Possibly Damaging"; Align-GVGD: "Class C0"). In summary, the available evidence is currently insufficient to determine the role of this variant in disease. Therefore, it has been classified as a Variant of Uncertain Significance.

NM_001163435.3(TBCK):c.2348C>A (p.Pro783His)

Gene: TBCK (TBC1 domain containing kinase; minus strand). Cytogenetic location: 4q24.
Variant type: single nucleotide variant.
Coding change: c.2348C>A on transcript NM_001163435.3 (MANE Select); coding-DNA position 2348, C replaced by A.
Protein change: p.Pro783His; replaces proline 783 with histidine.
Molecular consequence: missense variant.
Genome position (GRCh38, 1-based): chr4:106,116,266, G>T on the plus strand (C>A on the coding strand, the complement: TBCK is on the minus strand). VCF-style: chr4-106116266-G-T. GRCh37 (hg19) VCF-style: chr4-107037423-G-T.
Other names: c.2348C>A, p.Pro783His (NM_001163436.4); c.2231C>A, p.Pro744His (NM_001163437.3); c.1832C>A, p.Pro611His (NM_001290768.2); c.2159C>A, p.Pro720His (NM_033115.5); short protein forms P720H, P611H, P783H, P744H.
Identifiers: ClinVar variation 1973263 (VCV001973263.5), dbSNP rs1197249754, ClinGen allele CA357972028.
Genomic context (GRCh38, chr4:106,116,266, plus strand): 5'-TCACTATTCCGGATGTCAACCACCAGGAGCTTTGGTTTACTGGACTTTGTTTTCTTGCTG[G>T]GTGTTTTGAAGTGGCCTGTCACTGTGAGCTCACACAAGTCAATCAGGTCCTCTGCTGAAA-3'
Protein context (NP_001156907.2, residues 773-793): ELTVTGHFKT[Pro783His]SKKTKSSKPK